The following is an entry in ClinVar:

ClinVar aggregate classification (germline): Pathogenic. Review status: criteria provided, multiple submitters, no conflicts (2 of 4 stars). 3 submissions from 3 submitters: Pathogenic (2). 1 of the submissions does not count toward it. Last evaluated 2025-10-07.

Conditions:
Familial hemophagocytic lymphohistiocytosis 3 (FHL3). Also called: UNC13D-Related Familial Hemophagocytic Lymphohistiocytosis (UNC13D-fHLH). Identifiers: Orphanet 540, MedGen C1837174, MONDO:0012146, OMIM 608898.

gnomAD v4.1: 9 of 1,375,410 alleles (0.00065%); highest among the groups gnomAD compares: East Asian, 0.0057%; no homozygotes.

Submissions (3):

Labcorp Genetics (formerly Invitae), Labcorp
Classification: Pathogenic for Familial hemophagocytic lymphohistiocytosis 3. Last evaluated: 2025-10-07. Review status: criteria provided, single submitter. Criteria: Invitae Variant Classification Sherloc (09022015). Collection method: clinical testing. Allele origin: germline.
Comment: This sequence change falls in intron 1 of the UNC13D gene. It does not directly change the encoded amino acid sequence of the UNC13D protein. This variant is not present in population databases (gnomAD no frequency). This variant has been observed in individual(s) with hemophagocytic lymphohistiocytosis (PMID: 23672263, 24470399, 27209435, 27781387, 34339548, 38129595). In at least one individual the data is consistent with being in trans (on the opposite chromosome) from a pathogenic variant. ClinVar contains an entry for this variant (Variation ID: 1299415). Studies have shown that this variant alters UNC13D gene expression (PMID: 23672263, 24470399). Algorithms developed to predict the effect of sequence changes on RNA splicing suggest that this variant is not likely to affect RNA splicing. For these reasons, this variant has been classified as Pathogenic.

Mendelics
Classification: Pathogenic for Familial hemophagocytic lymphohistiocytosis 3. Last evaluated: 2022-05-04. Review status: criteria provided, single submitter. Criteria: Mendelics Assertion Criteria 2019. Collection method: clinical testing. Allele origin: germline.

GeneReviews
No classification provided. Condition: Familial hemophagocytic lymphohistiocytosis 3. Review status: no classification provided. Collection method: literature only. Allele origin: germline. Not counted in ClinVar's aggregate classification.
Comment: Disruption of lymphocyte-specific enhancer [Entesarian et al 2013]

Literature cited by the submitters: PubMed 23672263 (cited by Labcorp Genetics (formerly Invitae), Labcorp and GeneReviews); PubMed 24470399 (cited by Labcorp Genetics (formerly Invitae), Labcorp); PubMed 27209435 (cited by Labcorp Genetics (formerly Invitae), Labcorp); PubMed 27781387 (cited by Labcorp Genetics (formerly Invitae), Labcorp); PubMed 34339548 (cited by Labcorp Genetics (formerly Invitae), Labcorp); PubMed 38129595 (cited by Labcorp Genetics (formerly Invitae), Labcorp).

NM_199242.3(UNC13D):c.118-307G>A

Gene: UNC13D (unc-13 homolog D; minus strand). Cytogenetic location: 17q25.1.
Variant type: single nucleotide variant.
Coding change: c.118-307G>A on transcript NM_199242.3 (MANE Select); 307 bases into the intron before coding-DNA position 118, G replaced by A.
Molecular consequence: intron variant.
Genome position (GRCh38, 1-based): chr17:75,843,826, C>T on the plus strand (G>A on the coding strand, the complement: UNC13D is on the minus strand). VCF-style: chr17-75843826-C-T. GRCh37 (hg19) VCF-style: chr17-73839907-C-T.
Identifiers: ClinVar variation 1299415 (VCV001299415.10), dbSNP rs1019391145, ClinGen allele CA294090505.